The following is an entry in ClinVar:

ClinVar aggregate classification (germline): Uncertain significance (1 of 4 stars; one submission).

Submission:

Labcorp Genetics (formerly Invitae), Labcorp
Classification: Uncertain significance. Last evaluated: 2025-04-07. Review status: criteria provided, single submitter. Criteria: Invitae Variant Classification Sherloc (09022015). Collection method: clinical testing. Allele origin: germline.
Comment: This sequence change replaces asparagine, which is neutral and polar, with lysine, which is basic and polar, at codon 417 of the REST protein (p.Asn417Lys). This variant is not present in population databases (gnomAD no frequency). This variant has not been reported in the literature in individuals affected with REST-related conditions. ClinVar contains an entry for this variant (Variation ID: 1996470). An algorithm developed to predict the effect of missense changes on protein structure and function (PolyPhen-2) suggests that this variant is likely to be tolerated. In summary, the available evidence is currently insufficient to determine the role of this variant in disease. Therefore, it has been classified as a Variant of Uncertain Significance.

NM_005612.5(REST):c.1251T>G (p.Asn417Lys)

Gene: REST (RE1 silencing transcription factor; plus strand). Cytogenetic location: 4q12.
Variant type: single nucleotide variant.
Coding change: c.1251T>G on transcript NM_005612.5 (MANE Select); coding-DNA position 1251, T replaced by G.
Protein change: p.Asn417Lys; replaces asparagine 417 with lysine.
Molecular consequence: missense variant.
Genome position (GRCh38, 1-based): chr4:56,930,109, T>G. VCF-style: chr4-56930109-T-G. GRCh37 (hg19) VCF-style: chr4-57796275-T-G.
Other names: c.1251T>G, p.Asn417Lys (NM_001193508.2, NM_001363453.3); short protein forms N417K.
Identifiers: ClinVar variation 1996470 (VCV001996470.4), dbSNP rs758848431, ClinGen allele CA357006199.
Genomic context (GRCh38, chr4:56,930,109, plus strand): 5'-AGCTTCCAAGAAGTGTAATCTACAGTATCACTTCAAATCTAAGCATCCTACTTGTCCTAA[T>G]AAAACAATGGATGTCTCAAAAGTGAAACTAAAGAAAACCAAAAAACGAGAGGCTGACTTG-3'
Protein context (NP_005603.3, residues 407-427): HFKSKHPTCP[Asn417Lys]KTMDVSKVKL